The following is an entry in ClinVar:

NM_007294.4(BRCA1):c.5406+7A>C

Gene: BRCA1 (BRCA1 DNA repair associated; minus strand). Cytogenetic location: 17q21.31.
Variant type: single nucleotide variant.
Coding change: c.5406+7A>C on transcript NM_007294.4 (MANE Select); 7 bases into the intron after coding-DNA position 5406, A replaced by C.
Molecular consequence: intron variant.
Genome position (GRCh38, 1-based): chr17:43,049,114, T>G on the plus strand (A>C on the coding strand, the complement: BRCA1 is on the minus strand). VCF-style: chr17-43049114-T-G. GRCh37 (hg19) VCF-style: chr17-41201131-T-G.
Other names: c.1953+7A>C (NM_001408458.1, NM_001408461.1, NM_001408464.1 and 7 more transcripts); c.4515+7A>C (NM_001407967.1); c.5025+7A>C (NM_001407959.1); c.5139+7A>C (NM_001407931.1, NM_001407932.1, NM_001407928.1 and 4 more transcripts); c.5262+7A>C (NM_001407747.1, NM_001407745.1, NM_001407737.1 and 18 more transcripts); c.5022+7A>C (NM_001407962.1, NM_001407960.1); c.1593+7A>C (NM_001408512.1); c.1716+7A>C (NM_001408510.1); and 84 more.
Identifiers: ClinVar variation 865715 (VCV000865715.3), dbSNP rs397509280, ClinGen allele CA916080834.

Conditions:
Breast-ovarian cancer, familial, susceptibility to, 1 (BROVCA1). Also called: BRCA1 Hereditary Breast and Ovarian Cancer; OVARIAN CANCER, SUSCEPTIBILITY TO. Identifiers: Orphanet 145, MedGen C2676676, MONDO:0011450, OMIM 604370. Disease mechanism: loss of function.

Submission:

Brotman Baty Institute, University of Washington
No classification provided (evidence only). Condition: Breast-ovarian cancer, familial 1. Review status: no classification provided. Collection method: in vitro. Allele origin: not applicable. Functional consequence: functionally_normal.
ClinVar note: "not provided" was previously submitted as the classification for the variant. However, the classification appeared to be based only on an observation of functional data so it was converted to no classification on 2025-07-30.